The following is an entry in ClinVar:

NM_001005361.3(DNM2):c.577G>A (p.Val193Ile)

Gene: DNM2 (dynamin 2; plus strand). Cytogenetic location: 19p13.2.
Variant type: single nucleotide variant.
Coding change: c.577G>A on transcript NM_001005361.3 (MANE Select); coding-DNA position 577, G replaced by A.
Protein change: p.Val193Ile; replaces valine 193 with isoleucine.
Molecular consequence: missense variant.
Genome position (GRCh38, 1-based): chr19:10,775,894, G>A. VCF-style: chr19-10775894-G-A. GRCh37 (hg19) VCF-style: chr19-10886570-G-A.
Other names: c.577G>A, p.Val193Ile (NM_001005360.3, NM_001005362.3, NM_001190716.2 and 1 more transcripts); short protein forms V193I.
Identifiers: ClinVar variation 1492626 (VCV001492626.9), dbSNP rs2145924827, ClinGen allele CA404043015.

ClinVar aggregate classification (germline): Uncertain significance. Review status: criteria provided, multiple submitters, no conflicts (2 of 4 stars). 2 submissions from 2 submitters: Uncertain significance (2). Last evaluated 2022-08-16.

Conditions:
Charcot-Marie-Tooth disease dominant intermediate B (CMTDIB). Also called: CHARCOT-MARIE-TOOTH NEUROPATHY, DOMINANT INTERMEDIATE B; Charcot-Marie-Tooth disease dominant intermediate 1; CMT DI1; Charcot-Marie-Tooth disease dominant intermediate I. Identifiers: Orphanet 100044, Orphanet 228179, MedGen C1847902, MONDO:0011674, OMIM 606482.

Submissions (2):

Labcorp Genetics (formerly Invitae), Labcorp
Classification: Uncertain significance for Charcot-Marie-Tooth disease dominant intermediate B. Last evaluated: 2022-08-16. Review status: criteria provided, single submitter. Criteria: Invitae Variant Classification Sherloc (09022015). Collection method: clinical testing. Allele origin: germline.
Comment: This sequence change replaces valine, which is neutral and non-polar, with isoleucine, which is neutral and non-polar, at codon 193 of the DNM2 protein (p.Val193Ile). This variant is not present in population databases (gnomAD no frequency). This variant has not been reported in the literature in individuals affected with DNM2-related conditions. ClinVar contains an entry for this variant (Variation ID: 1492626). Algorithms developed to predict the effect of missense changes on protein structure and function (SIFT, PolyPhen-2, Align-GVGD) all suggest that this variant is likely to be disruptive. In summary, the available evidence is currently insufficient to determine the role of this variant in disease. Therefore, it has been classified as a Variant of Uncertain Significance.

Blueprint Genetics
Classification: Uncertain significance. Last evaluated: 2020-12-23. Review status: criteria provided, single submitter. Criteria: ACMG Guidelines, 2015. Collection method: clinical testing. Allele origin: germline.